The following is an entry in ClinVar:

NM_005562.3(LAMC2):c.2421C>T (p.Ser807=)

Gene: LAMC2 (laminin subunit gamma 2; plus strand). Cytogenetic location: 1q25.3.
Variant type: single nucleotide variant.
Coding change: c.2421C>T on transcript NM_005562.3 (MANE Select); coding-DNA position 2421, C replaced by T.
Protein change: p.Ser807=; no amino-acid change (serine 807 retained).
Molecular consequence: synonymous variant.
Genome position (GRCh38, 1-based): chr1:183,235,695, C>T. VCF-style: chr1-183235695-C-T. GRCh37 (hg19) VCF-style: chr1-183204830-C-T.
Other names: c.2421C>T, p.Ser807= (NM_018891.3).
Identifiers: ClinVar variation 1086519 (VCV001086519.8), dbSNP rs545568798, ClinGen allele CA1282917.
Genomic context (GRCh38, chr1:183,235,695, plus strand): 5'-ACAAGCCCTCTCACTGGTGCGCAAGGCCCTGCATGAAGGAGTCGGAAGCGGAAGCGGTAG[C>T]CCGGACGGTGCTGTGGTGCAAGGGCTTGTGGAAAAGTACGTTCCTACGGGTCCTCCCGTG-3'
Protein context (NP_005553.2, residues 797-817): LHEGVGSGSG[Ser807=]PDGAVVQGLV

ClinVar aggregate classification (germline): Likely benign. Review status: criteria provided, multiple submitters, no conflicts (2 of 4 stars). 2 submissions from 2 submitters: Likely benign (2). Last evaluated 2026-01-28.

Allele frequency attached by ClinVar (database versions not stated): ExAC 0.00003; gnomAD exomes 0.00004; 1000 Genomes Project 30x 0.00016; 1000 Genomes Project 0.00020.

Submissions (2):

Labcorp Genetics (formerly Invitae), Labcorp
Classification: Likely benign. Last evaluated: 2026-01-28. Review status: criteria provided, single submitter. Criteria: Invitae Variant Classification Sherloc (09022015). Collection method: clinical testing. Allele origin: germline.

Women's Health and Genetics/Laboratory Corporation of America, LabCorp
Classification: Likely benign. Last evaluated: 2022-03-09. Review status: criteria provided, single submitter. Criteria: LabCorp Variant Classification Summary - May 2015. Collection method: clinical testing. Allele origin: germline.
Comment: Variant summary: LAMC2 c.2421C>T alters a non-conserved nucleotide resulting in a synonymous change. 4/4 computational tools predict no significant impact on normal splicing. However, these predictions have yet to be confirmed by functional studies. The variant allele was found at a frequency of 3.6e-05 in 251228 control chromosomes (gnomAD). The available data on variant occurrences in the general population are insufficient to allow any conclusion about variant significance. To our knowledge, no occurrence of c.2421C>T in individuals affected with Junctional Epidermolysis Bullosa and no experimental evidence demonstrating its impact on protein function have been reported. One clinical diagnostic laboratory has submitted clinical-significance assessments for this variant to ClinVar after 2014 and classified the variant as likely benign. Based on the evidence outlined above, the variant was classified as likely benign.